The following is an entry in ClinVar:

ClinVar aggregate classification (germline): Uncertain significance. Review status: criteria provided, multiple submitters, no conflicts (2 of 4 stars). 2 submissions from 2 submitters: Uncertain significance (2). Last evaluated 2025-12-15.

Conditions:
Erythrocytosis, familial, 3 (ECYT3). Identifiers: Orphanet 247511, MedGen C1853286, MONDO:0012353, OMIM 609820.

gnomAD v4.1: 2 of 1,509,018 alleles (0.00013%); highest among the groups gnomAD compares: Non-Finnish European, 0.00018%; no homozygotes.

Submissions (2):

Ambry Genetics
Classification: Uncertain significance. Last evaluated: 2025-12-15. Review status: criteria provided, single submitter. Criteria: Ambry Variant Classification Scheme 2023. Collection method: clinical testing. Allele origin: germline.
Comment: The p.G68R variant (also known as c.202G>A), located in coding exon 1 of the EGLN1 gene, results from a G to A substitution at nucleotide position 202. The glycine at codon 68 is replaced by arginine, an amino acid with dissimilar properties. This amino acid position is conserved. In addition, this alteration is predicted to be tolerated by in silico analysis. Since supporting evidence is limited at this time, the clinical significance of this alteration remains unclear.

Labcorp Genetics (formerly Invitae), Labcorp
Classification: Uncertain significance for Erythrocytosis, familial, 3. Last evaluated: 2024-12-12. Review status: criteria provided, single submitter. Criteria: Invitae Variant Classification Sherloc (09022015). Collection method: clinical testing. Allele origin: germline.
Comment: This sequence change replaces glycine, which is neutral and non-polar, with arginine, which is basic and polar, at codon 68 of the EGLN1 protein (p.Gly68Arg). This variant is not present in population databases (gnomAD no frequency). This variant has not been reported in the literature in individuals affected with EGLN1-related conditions. ClinVar contains an entry for this variant (Variation ID: 2057869). An algorithm developed to predict the effect of missense changes on protein structure and function (PolyPhen-2) suggests that this variant is likely to be disruptive. In summary, the available evidence is currently insufficient to determine the role of this variant in disease. Therefore, it has been classified as a Variant of Uncertain Significance.

NM_022051.3(EGLN1):c.202G>A (p.Gly68Arg)

Gene: EGLN1 (egl-9 family hypoxia inducible factor 1; minus strand). Cytogenetic location: 1q42.2.
Variant type: single nucleotide variant.
Coding change: c.202G>A on transcript NM_022051.3 (MANE Select); coding-DNA position 202, G replaced by A.
Protein change: p.Gly68Arg; replaces glycine 68 with arginine.
Molecular consequence: missense variant.
Genome position (GRCh38, 1-based): chr1:231,421,687, C>T on the plus strand (G>A on the coding strand, the complement: EGLN1 is on the minus strand). VCF-style: chr1-231421687-C-T. GRCh37 (hg19) VCF-style: chr1-231557433-C-T.
Other names: c.202G>A, p.Gly68Arg (NM_001377260.1, NM_001377261.1); c.202G>A (NM_022051.2); short protein forms G68R.
Identifiers: ClinVar variation 2057869 (VCV002057869.7), dbSNP rs763530007, ClinGen allele CA345238630.